The following is an entry in ClinVar:

NM_001292063.2(OTOG):c.2273G>A (p.Arg758His)

Gene: OTOG (otogelin; plus strand). Cytogenetic location: 11p15.1.
Variant type: single nucleotide variant.
Coding change: c.2273G>A on transcript NM_001292063.2 (MANE Select); coding-DNA position 2273, G replaced by A.
Protein change: p.Arg758His; replaces arginine 758 with histidine.
Molecular consequence: missense variant.
Genome position (GRCh38, 1-based): chr11:17,573,270, G>A. VCF-style: chr11-17573270-G-A. GRCh37 (hg19) VCF-style: chr11-17594817-G-A.
Other names: c.2309G>A, p.Arg770His (NM_001277269.2); short protein forms R758H, R770H.
Identifiers: ClinVar variation 3893442 (VCV003893442.1).

ClinVar aggregate classification (germline): Uncertain significance (1 of 4 stars; one submission).

gnomAD v4.1: 14 of 1,528,152 alleles (0.00092%); highest among the groups gnomAD compares: Middle Eastern, 0.054%; no homozygotes.

Submission:

GeneDx
Classification: Uncertain significance. Last evaluated: 2024-10-24. Review status: criteria provided, single submitter. Criteria: GeneDx Variant Classification Process June 2021. Collection method: clinical testing. Allele origin: germline. Affected: yes.
Comment: In silico analysis supports that this missense variant has a deleterious effect on protein structure/function; Has not been previously published as pathogenic or benign to our knowledge